The following is an entry in ClinVar:

ClinVar aggregate classification (germline): Uncertain significance. Review status: criteria provided, multiple submitters, no conflicts (2 of 4 stars). 3 submissions from 3 submitters: Uncertain significance (3). Last evaluated 2025-11-20.

Conditions:
Inborn genetic diseases. Identifiers: MedGen C0950123, MeSH D030342.

Allele frequency attached by ClinVar (database versions not stated): gnomAD exomes 0.00007; ExAC 0.00008; TOPMed 0.00015; 1000 Genomes Project 30x 0.00016; 1000 Genomes Project 0.00020; gnomAD 0.00021.

Submissions (3):

Ambry Genetics
Classification: Uncertain significance for Inborn genetic diseases. Last evaluated: 2025-11-20. Review status: criteria provided, single submitter. Criteria: Ambry Variant Classification Scheme 2023. Collection method: clinical testing. Allele origin: germline.

Labcorp Genetics (formerly Invitae), Labcorp
Classification: Uncertain significance. Last evaluated: 2025-11-03. Review status: criteria provided, single submitter. Criteria: Invitae Variant Classification Sherloc (09022015). Collection method: clinical testing. Allele origin: germline.
Comment: This sequence change replaces asparagine, which is neutral and polar, with threonine, which is neutral and polar, at codon 88 of the GNB3 protein (p.Asn88Thr). This variant is present in population databases (rs201467320, gnomAD 0.02%). This variant has not been reported in the literature in individuals affected with GNB3-related conditions. ClinVar contains an entry for this variant (Variation ID: 969193). Invitae Evidence Modeling of protein sequence and biophysical properties (such as structural, functional, and spatial information, amino acid conservation, physicochemical variation, residue mobility, and thermodynamic stability) indicates that this missense variant is not expected to disrupt GNB3 protein function with a negative predictive value of 80%. In summary, the available evidence is currently insufficient to determine the role of this variant in disease. Therefore, it has been classified as a Variant of Uncertain Significance.

Blueprint Genetics
Classification: Uncertain significance. Last evaluated: 2023-09-26. Review status: criteria provided, single submitter. Criteria: ACMG Guidelines, 2015. Collection method: clinical testing. Allele origin: germline.

NM_002075.4(GNB3):c.263A>C (p.Asn88Thr)

Gene: GNB3 (G protein subunit beta 3; plus strand). Cytogenetic location: 12p13.31.
Variant type: single nucleotide variant.
Coding change: c.263A>C on transcript NM_002075.4 (MANE Select); coding-DNA position 263, A replaced by C.
Protein change: p.Asn88Thr; replaces asparagine 88 with threonine.
Molecular consequence: missense variant.
Genome position (GRCh38, 1-based): chr12:6,843,233, A>C. VCF-style: chr12-6843233-A-C. GRCh37 (hg19) VCF-style: chr12-6952397-A-C.
Other names: c.263A>C (NM_002075.2); c.263A>C, p.Asn88Thr (NM_001297571.2); short protein forms N88T.
Identifiers: ClinVar variation 969193 (VCV000969193.11), dbSNP rs201467320, ClinGen allele CA6417489.
Genomic context (GRCh38, chr12:6,843,233, plus strand): 5'-GGCTGCTGGTAAGTGCCTCGCAAGATGGGAAGCTGATCGTGTGGGACAGCTACACCACCA[A>C]CAAGGTACCAGCCCTGCCTCCCTGAGCCTCCACCACTGCATCCTTCCTAAGGGCGCCATG-3'
Protein context (NP_002066.1, residues 78-98): KLIVWDSYTT[Asn88Thr]KVHAIPLRSS